The following is an entry in ClinVar:

ClinVar aggregate classification (germline): Uncertain significance. Review status: criteria provided, multiple submitters, no conflicts (2 of 4 stars). 3 submissions from 3 submitters: Uncertain significance (3). Last evaluated 2022-02-28.

Conditions:
Neuromuscular disease caused by qualitative or quantitative defects of dysferlin. Also called: Dysferlinopathy; Qualitative or quantitative defects of dysferlin. Identifiers: Orphanet 207073, MedGen C2931687, MONDO:0016145.

Allele frequency attached by ClinVar (database versions not stated): gnomAD exomes 0.00001; ExAC 0.00002; 1000 Genomes Project 0.00020; 1000 Genomes Project 30x 0.00031.
gnomAD v4.1: 9 of 1,613,588 alleles (0.00056%); highest among the groups gnomAD compares: Admixed American, 0.005%; no homozygotes.

Submissions (3):

Labcorp Genetics (formerly Invitae), Labcorp
Classification: Uncertain significance for Neuromuscular disease caused by qualitative or quantitative defects of dysferlin. Last evaluated: 2022-02-28. Review status: criteria provided, single submitter. Criteria: Invitae Variant Classification Sherloc (09022015). Collection method: clinical testing. Allele origin: germline.
Comment: This sequence change replaces alanine, which is neutral and non-polar, with threonine, which is neutral and polar, at codon 1115 of the DYSF protein (p.Ala1115Thr). This variant is present in population databases (rs200334333, gnomAD 0.003%). This variant has not been reported in the literature in individuals affected with DYSF-related conditions. Advanced modeling of protein sequence and biophysical properties (such as structural, functional, and spatial information, amino acid conservation, physicochemical variation, residue mobility, and thermodynamic stability) performed at Invitae indicates that this missense variant is not expected to disrupt DYSF protein function. In summary, the available evidence is currently insufficient to determine the role of this variant in disease. Therefore, it has been classified as a Variant of Uncertain Significance.

Blueprint Genetics
Classification: Uncertain significance. Last evaluated: 2020-09-29. Review status: criteria provided, single submitter. Criteria: ACMG Guidelines, 2015. Collection method: clinical testing. Allele origin: germline.

Revvity Omics, Revvity
Classification: Uncertain significance. Last evaluated: 2020-06-25. Review status: criteria provided, single submitter. Criteria: ACMG Guidelines, 2015. Collection method: clinical testing. Allele origin: germline.

NM_001130987.2(DYSF):c.3397G>A (p.Ala1133Thr)

Gene: DYSF (dysferlin; plus strand). Cytogenetic location: 2p13.2.
Variant type: single nucleotide variant.
Coding change: c.3397G>A on transcript NM_001130987.2 (MANE Select); coding-DNA position 3397, G replaced by A.
Protein change: p.Ala1133Thr; replaces alanine 1133 with threonine.
Molecular consequence: missense variant.
Genome position (GRCh38, 1-based): chr2:71,574,366, G>A. VCF-style: chr2-71574366-G-A. GRCh37 (hg19) VCF-style: chr2-71801496-G-A.
Other names: c.3346G>A, p.Ala1116Thr (NM_001130455.2, NM_001130983.2); c.3301G>A, p.Ala1101Thr (NM_001130976.2, NM_001130977.2); c.3343G>A, p.Ala1115Thr (NM_001130978.2, NM_003494.4); c.3436G>A, p.Ala1146Thr (NM_001130979.2); c.3394G>A, p.Ala1132Thr (NM_001130980.2, NM_001130981.2); c.3439G>A, p.Ala1147Thr (NM_001130982.2); c.3304G>A, p.Ala1102Thr (NM_001130984.2, NM_001130986.2); c.3397G>A, p.Ala1133Thr (NM_001130985.2); and 1 more; short protein forms A1102T, A1133T, A1146T, A1132T, A1101T, A1115T, A1116T, A1147T.
Identifiers: ClinVar variation 2093645 (VCV002093645.5), dbSNP rs200334333, ClinGen allele CA1706536.